The following is an entry in ClinVar:

ClinVar aggregate classification (germline): Pathogenic (1 of 4 stars; one submission).

Conditions:
Early-infantile DEE. Also called: Ohtahara syndrome; Early infantile epileptic encephalopathy; Early infantile epileptic encephalopathy with suppression bursts. Identifiers: Orphanet 1934, MedGen C0393706, MONDO:0800491.

Submission:

Labcorp Genetics (formerly Invitae), Labcorp
Classification: Pathogenic for Early-infantile DEE. Last evaluated: 2024-08-11. Review status: criteria provided, single submitter. Criteria: Invitae Variant Classification Sherloc (09022015). Collection method: clinical testing. Allele origin: germline.
Comment: This sequence change creates a premature translational stop signal (p.Lys756Serfs*15) in the SCN1A gene. It is expected to result in an absent or disrupted protein product. Loss-of-function variants in SCN1A are known to be pathogenic (PMID: 17347258, 18930999). This variant is not present in population databases (gnomAD no frequency). This variant has not been reported in the literature in individuals affected with SCN1A-related conditions. For these reasons, this variant has been classified as Pathogenic.

Literature cited by the submitters: PubMed 17347258; PubMed 18930999.

NM_001165963.4(SCN1A):c.2267_2268del (p.Lys756fs)

Gene: SCN1A (sodium voltage-gated channel alpha subunit 1; minus strand). Cytogenetic location: 2q24.3.
Variant type: Deletion.
Coding change: c.2267_2268del on transcript NM_001165963.4 (MANE Select); coding-DNA positions 2267 to 2268, 2 bases deleted (AA; older notation c.2267_2268delAA).
Protein change: p.Lys756fs; shifts the reading frame from lysine 756.
Molecular consequence: frameshift variant. On other transcripts: 5 prime UTR variant (1), non-coding transcript variant (1).
Genome position (GRCh38, 1-based): chr2:166,041,378-166,041,379, TT deleted on the plus strand (AA on the coding strand, the reverse complement: SCN1A is on the minus strand); deleting any 2 consecutive bases within chr2:166,041,378-166,041,381 gives the same sequence; the c. name uses the placement nearest the transcript's 3' end. VCF-style (leftmost placement, unchanged base first): chr2-166041377-CTT-C. GRCh37 (hg19) VCF-style: chr2-166897887-CTT-C.
Other names: c.2183_2184del, p.Lys728fs (NM_001165964.3, NM_001353957.2, NM_001353958.2); c.2267_2268del, p.Lys756fs (NM_001202435.3, NM_001353948.2); c.2234_2235del, p.Lys745fs (NM_001353949.2, NM_001353950.2, NM_001353951.2 and 2 more transcripts); c.2231_2232del, p.Lys744fs (NM_001353954.2, NM_001353955.2); c.2180_2181del, p.Lys727fs (NM_001353960.2); c.-192_-191del (NM_001353961.2); short protein forms K728fs, K727fs, K745fs, K744fs, K756fs.
Identifiers: ClinVar variation 3661922 (VCV003661922.2).
Genomic context (GRCh38, chr2:166,041,377, plus strand): 5'-AGATGGTGATGGCCAGGTCAACAAATGGGTCCATCACAACCAGGTTGACAACATGTTTCA[CTT>C]TTAACCAATATGGAGAACAGTCCCAGATTAAGAATATGTTGGAAAATTTATACCAACAGG-3'